The following is an entry in ClinVar:

NM_000381.4(MID1):c.1554_1555del (p.Thr518_Pro519insTer)

Gene: MID1 (midline 1; minus strand). Cytogenetic location: Xp22.2.
Variant type: Microsatellite.
Coding change: c.1554_1555del on transcript NM_000381.4 (MANE Select); coding-DNA positions 1554 to 1555, 2 bases deleted (AC; older notation c.1554_1555delAC).
Protein change: p.Thr518_Pro519insTer.
Molecular consequence: frameshift variant.
Genome position (GRCh38, 1-based): chrX:10,454,970-10,454,971, GT deleted on the plus strand (AC on the coding strand, the reverse complement: MID1 is on the minus strand); deleting any 2 consecutive bases within chrX:10,454,970-10,454,976 gives the same sequence; the c. name uses the placement nearest the transcript's 3' end. VCF-style (leftmost placement, unchanged base first): chrX-10454969-GGT-G. GRCh37 (hg19) VCF-style: chrX-10423009-GGT-G.
Other names: c.1554_1555del, p.Thr518_Pro519insTer (NM_001098624.2, NM_001193277.1, NM_001347733.2 and 1 more transcripts); c.1440_1441del, p.Thr480_Pro481insTer (NM_033289.2).
Identifiers: ClinVar variation 3395997 (VCV003395997.2).

ClinVar aggregate classification (germline): Pathogenic/Likely pathogenic. Review status: criteria provided, multiple submitters, no conflicts (2 of 4 stars). 2 submissions from 2 submitters: Pathogenic (1); Likely pathogenic (1). Last evaluated 2024-10-21.

Conditions:
Inborn genetic diseases. Identifiers: MedGen C0950123, MeSH D030342.
X-linked Opitz G/BBB syndrome (GBBB). Also called: MID1-Related Opitz G/BBB Syndrome; OPITZ BBBG SYNDROME, TYPE I; OPITZ SYNDROME, X-LINKED; OPITZ-G SYNDROME, TYPE I; Opitz-Frias syndrome. Identifiers: Orphanet 2745, MedGen C2936904, MONDO:0010222, OMIM 300000.

Submissions (2):

Ambry Genetics
Classification: Pathogenic for Inborn genetic diseases. Last evaluated: 2024-10-21. Review status: criteria provided, single submitter. Criteria: Ambry Variant Classification Scheme 2023. Collection method: clinical testing. Allele origin: germline.
Comment: The c.1554_1555delAC (p.P519*) alteration, located in exon 9 (coding exon 8) of the MID1 gene, consists of a deletion of 2 nucleotides from position 1554 to 1555. This changes the amino acid from a proline (P) to a stop codon at amino acid position 519. This alteration is expected to result in loss of function by premature protein truncation or nonsense-mediated mRNA decay. This variant was not reported in population-based cohorts in the Genome Aggregation Database (gnomAD). Based on the available evidence, this alteration is classified as pathogenic.

3billion
Classification: Likely pathogenic for X-linked Opitz G/BBB syndrome. Last evaluated: 2024-06-19. Review status: criteria provided, single submitter. Criteria: ACMG Guidelines, 2015. Collection method: clinical testing. Allele origin: germline. Affected: yes.
Comment: The variant is not observed in the gnomAD v4.0.0 dataset. Predicted Consequence/Location: Stop-gained (nonsense): predicted to result in a loss or disruption of normal protein function through nonsense-mediated decay (NMD) or protein truncation. Multiple pathogenic variants are reported downstream of the variant. Therefore, this variant is classified as Likely pathogenic according to the recommendation of ACMG/AMP guideline.

Literature cited by the submitters: PubMed 15558842 (cited by Ambry Genetics).